The following is an entry in ClinVar:

NM_016239.4(MYO15A):c.6788G>A (p.Gly2263Asp)

Gene: MYO15A (myosin XVA; plus strand). Cytogenetic location: 17p11.2.
Variant type: single nucleotide variant.
Coding change: c.6788G>A on transcript NM_016239.4 (MANE Select); coding-DNA position 6788, G replaced by A.
Protein change: p.Gly2263Asp; replaces glycine 2263 with aspartic acid.
Molecular consequence: missense variant.
Genome position (GRCh38, 1-based): chr17:18,148,784, G>A. VCF-style: chr17-18148784-G-A. GRCh37 (hg19) VCF-style: chr17-18052098-G-A.
Other names: short protein forms G2263D.
Identifiers: ClinVar variation 45756 (VCV000045756.5), dbSNP rs397517285, ClinGen allele CA261767.
Genomic context (GRCh38, chr17:18,148,784, plus strand): 5'-TGTCCCTCATTTCCATTCCTGTGCATGCCATCACCAGGGGGCTGGCAGATGGCTGGCGCG[G>A]CTGGACCGTGGCCATGAAGAATGGTGTCCAGTGGGCAGAGCTGGCTGGCCACGACTACGT-3'
Protein context (NP_057323.3, residues 2253-2273): RHRGLADGWR[Gly2263Asp]WTVAMKNGVQ

ClinVar aggregate classification (germline): Likely pathogenic (1 of 4 stars; one submission).

Conditions:
Rare genetic deafness. Identifiers: Orphanet 96210, MedGen C5680250.

Submission:

Laboratory for Molecular Medicine, Mass General Brigham Personalized Medicine
Classification: Likely pathogenic for Rare genetic deafness. Last evaluated: 2013-04-05. Review status: criteria provided, single submitter. Criteria: LMM Criteria. Collection method: clinical testing. Allele origin: germline. Observed: 2 variant alleles.
Comment: The Gly2263Asp variant in MYO15A has not been reported in the literature nor pre viously identified by our laboratory in any other families. Computational analys es (biochemical amino acid properties, conservation, AlignGVGD, PolyPhen2, and S IFT) suggest that the Gly2263Asp variant may impact the protein, though this inf ormation alone is not sufficient to assume pathogenicity. The variant was found to be in trans with a second pathogenic variant in MYO15A in this family, sugges ting that this variant is more likely to be pathogenic. In summary, this variant is likely to be pathogenic, though additional evidence is required to fully est ablish its clinical significance.